The following is an entry in ClinVar:

ClinVar aggregate classification (germline): Uncertain significance. Review status: criteria provided, multiple submitters, no conflicts (2 of 4 stars). 2 submissions from 2 submitters: Uncertain significance (2). Last evaluated 2026-03-06.

Conditions:
Aortic aneurysm, familial thoracic 4 (AAT4). Also called: AORTIC ANEURYSM/AORTIC DISSECTION AND PATENT DUCTUS ARTERIOSUS. Identifiers: MedGen C1851504, MONDO:0007568, OMIM 132900.

Submissions (2):

GeneDx
Classification: Uncertain significance. Last evaluated: 2026-03-06. Review status: criteria provided, single submitter. Criteria: GeneDx Variant Classification Process June 2021. Collection method: clinical testing. Allele origin: germline.
Comment: Not observed at significant frequency in large population cohorts (gnomAD); In silico analysis supports that this missense variant has a deleterious effect on protein structure/function; Has not been previously published as pathogenic or benign to our knowledge

Labcorp Genetics (formerly Invitae), Labcorp
Classification: Uncertain significance for Aortic aneurysm, familial thoracic 4. Last evaluated: 2024-11-21. Review status: criteria provided, single submitter. Criteria: Invitae Variant Classification Sherloc (09022015). Collection method: clinical testing. Allele origin: germline.
Comment: This sequence change replaces serine, which is neutral and polar, with threonine, which is neutral and polar, at codon 173 of the MYH11 protein (p.Ser173Thr). This variant is not present in population databases (gnomAD no frequency). This variant has not been reported in the literature in individuals affected with MYH11-related conditions. Invitae Evidence Modeling of protein sequence and biophysical properties (such as structural, functional, and spatial information, amino acid conservation, physicochemical variation, residue mobility, and thermodynamic stability) indicates that this missense variant is not expected to disrupt MYH11 protein function with a negative predictive value of 95%. In summary, the available evidence is currently insufficient to determine the role of this variant in disease. Therefore, it has been classified as a Variant of Uncertain Significance.

NM_002474.3(MYH11):c.517T>A (p.Ser173Thr)

Gene: MYH11 (myosin heavy chain 11; minus strand). Cytogenetic location: 16p13.11.
Variant type: single nucleotide variant.
Coding change: c.517T>A on transcript NM_002474.3 (MANE Select); coding-DNA position 517, T replaced by A.
Protein change: p.Ser173Thr; replaces serine 173 with threonine.
Molecular consequence: missense variant.
Genome position (GRCh38, 1-based): chr16:15,798,673, A>T on the plus strand (T>A on the coding strand, the complement: MYH11 is on the minus strand). VCF-style: chr16-15798673-A-T. GRCh37 (hg19) VCF-style: chr16-15892530-A-T.
Other names: c.517T>A (NM_002474.2); c.517T>A, p.Ser173Thr (NM_001040113.2, NM_001040114.2, NM_022844.3); short protein forms S173T.
Identifiers: ClinVar variation 3719300 (VCV003719300.3).
Genomic context (GRCh38, chr16:15,798,673, plus strand): 5'-AAAAAAAAAAACAAAAAAAAAACAGAAGAAAAAGCAGTTCCACTTACGTGCATAGAATGG[A>T]CTGGTCCTCCCGATCTGCAAACAGAAAGAAGAAAAAAGAGCCATGAATTAAAATGAGCTC-3'
Protein context (NP_002465.1, residues 163-183): RSMLQDREDQ[Ser173Thr]ILCTGESGAG